The following is an entry in ClinVar:

NM_000059.4(BRCA2):c.6586A>G (p.Lys2196Glu)

Gene: BRCA2 (BRCA2 DNA repair associated; plus strand). Cytogenetic location: 13q13.1.
Variant type: single nucleotide variant.
Coding change: c.6586A>G on transcript NM_000059.4 (MANE Select); coding-DNA position 6586, A replaced by G.
Protein change: p.Lys2196Glu; replaces lysine 2196 with glutamic acid.
Molecular consequence: missense variant.
Genome position (GRCh38, 1-based): chr13:32,340,941, A>G. VCF-style: chr13-32340941-A-G. GRCh37 (hg19) VCF-style: chr13-32915078-A-G.
Other names: short protein forms K2196E.
Identifiers: ClinVar variation 441478 (VCV000441478.22), dbSNP rs398122561, ClinGen allele CA387789988.

ClinVar aggregate classification (germline): Conflicting classifications of pathogenicity. Review status: criteria provided, conflicting classifications (1 of 4 stars). 6 submissions from 6 submitters: Uncertain significance (4); Likely benign (2). Last evaluated 2025-11-10.

Conditions:
Hereditary cancer-predisposing syndrome. Also called: Hereditary Cancer Syndrome; Tumor predisposition; Hereditary neoplastic syndrome; Neoplastic Syndromes, Hereditary. Identifiers: Orphanet 140162, MedGen C0027672, MeSH D009386, MONDO:0015356.
Hereditary breast ovarian cancer syndrome. Also called: Hereditary breast and/or ovarian cancer syndrome; BRCA1- and BRCA2-Associated Hereditary Breast and Ovarian Cancer; Hereditary breast and ovarian cancer syndrome (HBOC); Hereditary breast and ovarian cancer syndrome; Breast and ovarian cancer; Hereditary breast and ovarian cancer. Identifiers: Orphanet 145, MedGen C0677776, MeSH D061325, MONDO:0003582. Disease mechanism: loss of function.
Breast-ovarian cancer, familial, susceptibility to, 2 (BROVCA2). Also called: BRCA2 Hereditary Breast and Ovarian Cancer. Identifiers: Orphanet 145, MedGen C2675520, MONDO:0012933, OMIM 612555. Disease mechanism: loss of function.

Allele frequency attached by ClinVar (database versions not stated): TOPMed below 0.00001.
gnomAD v4.1: 1 of 1,610,086 alleles (0.000062%); no homozygotes.

Submissions (6):

Dasa
Classification: Uncertain significance. Last evaluated: 2025-11-10. Review status: criteria provided, single submitter. Criteria: DASA Assertion Criteria. Collection method: clinical testing. Allele origin: germline.
Comment: NM_000059.4(BRCA2):c.6586A>G (p.Lys2196Glu) is a missense variant that results in the substitution of lysine with glutamic acid. This variant is rare in population databases. The currently available literature and clinical evidence are not sufficient to establish a definitive association between this variant and the reported condition. Therefore, this variant is classified as a variant of uncertain significance.

Labcorp Genetics (formerly Invitae), Labcorp
Classification: Uncertain significance for Hereditary breast ovarian cancer syndrome. Last evaluated: 2025-07-27. Review status: criteria provided, single submitter. Criteria: Invitae Variant Classification Sherloc (09022015). Collection method: clinical testing. Allele origin: germline.
Comment: This sequence change replaces lysine, which is basic and polar, with glutamic acid, which is acidic and polar, at codon 2196 of the BRCA2 protein (p.Lys2196Glu). This variant is not present in population databases (gnomAD no frequency). This missense change has been observed in individual(s) with breast cancer (PMID: 33606809, 35957908). ClinVar contains an entry for this variant (Variation ID: 441478). Invitae Evidence Modeling of protein sequence and biophysical properties (such as structural, functional, and spatial information, amino acid conservation, physicochemical variation, residue mobility, and thermodynamic stability) indicates that this missense variant is not expected to disrupt BRCA2 protein function with a negative predictive value of 95%. In summary, the available evidence is currently insufficient to determine the role of this variant in disease. Therefore, it has been classified as a Variant of Uncertain Significance.

Color Diagnostics, LLC DBA Color Health
Classification: Uncertain significance for Hereditary cancer-predisposing syndrome. Last evaluated: 2024-09-23. Review status: criteria provided, single submitter. Criteria: ACMG Guidelines, 2015. Collection method: clinical testing. Allele origin: germline.
Comment: This missense variant replaces lysine with glutamic acid at codon 2196 of the BRCA2 protein. Computational prediction suggests that this variant may not impact protein structure and function. To our knowledge, functional studies have not been reported for this variant. This variant has nt been reported in an individual affected with breast cancer (PMID: 33606809). This variant has not been identified in the general population by the Genome Aggregation Database (gnomAD). The available evidence is insufficient to determine the role of this variant in disease conclusively. Therefore, this variant is classified as a Variant of Uncertain Significance.

Ambry Genetics
Classification: Uncertain significance for Hereditary cancer-predisposing syndrome. Last evaluated: 2024-07-04. Review status: criteria provided, single submitter. Criteria: Ambry Variant Classification Scheme 2023. Collection method: clinical testing. Allele origin: germline.
Comment: The p.K2196E variant (also known as c.6586A>G), located in coding exon 10 of the BRCA2 gene, results from an A to G substitution at nucleotide position 6586. The lysine at codon 2196 is replaced by glutamic acid, an amino acid with similar properties. This alteration was identified in an individual diagnosed with breast cancer (Sandoval RL et al. PLoS One, 2021 Feb;16:e0247363). This amino acid position is not well conserved in available vertebrate species. In addition, the in silico prediction for this alteration is inconclusive. Based on the available evidence, the clinical significance of this variant remains unclear.

Myriad Genetics, Inc.
Classification: Likely benign for Breast-ovarian cancer, familial, susceptibility to, 2. Last evaluated: 2023-06-09. Review status: criteria provided, single submitter. Criteria: Myriad Autosomal Dominant, Autosomal Recessive and X-Linked Classification Criteria (2023). Collection method: clinical testing. Allele origin: unknown.
Comment: This variant is considered likely benign. This variant is strongly associated with less severe personal and family histories of cancer, typical for individuals without pathogenic variants in this gene [PMID: 25085752].

University of Washington Department of Laboratory Medicine, University of Washington
Classification: Likely benign for Hereditary cancer-predisposing syndrome. Last evaluated: 2023-03-23. Review status: criteria provided, single submitter. Criteria: Dines et al. (Genet Med. 2020). Collection method: curation. Allele origin: germline.
Comment: Missense variant in a coldspot region where missense variants are very unlikely to be pathogenic (PMID:31911673).

BRCA2 exon 11 coldspot. Reclassification based on statistical prior probability.

Literature cited by the submitters: PubMed 33606809 (cited by 3 submitters); PubMed 35957908 (cited by Labcorp Genetics (formerly Invitae), Labcorp); PubMed 25085752 (cited by Myriad Genetics, Inc.).